The following is an entry in ClinVar:

NM_000051.4(ATM):c.8152G>A (p.Gly2718Ser)

Genes: ATM (ATM serine/threonine kinase; plus strand), C11orf65 (chromosome 11 open reading frame 65; minus strand). Cytogenetic location: 11q22.3.
Variant type: single nucleotide variant.
Coding change: c.8152G>A on transcript NM_000051.4 (MANE Select); coding-DNA position 8152, G replaced by A.
Protein change: p.Gly2718Ser; replaces glycine 2718 with serine.
Molecular consequence: missense variant. On other transcripts: intron variant (2).
Genome position (GRCh38, 1-based): chr11:108,335,845, G>A. VCF-style: chr11-108335845-G-A. GRCh37 (hg19) VCF-style: chr11-108206572-G-A.
Other names: c.8152G>A, p.Gly2718Ser (NM_001351834.2); c.641-26774C>T (NM_001330368.2); c.695-553C>T (NM_001351110.2); short protein forms G2718S.
Identifiers: ClinVar variation 407703 (VCV000407703.9), dbSNP rs1060501689, ClinGen allele CA16613449.

ClinVar aggregate classification (germline): Uncertain significance. Review status: criteria provided, multiple submitters, no conflicts (2 of 4 stars). 3 submissions from 3 submitters: Uncertain significance (3). Last evaluated 2026-04-29.

Conditions:
Hereditary cancer-predisposing syndrome. Also called: Neoplastic Syndromes, Hereditary; Hereditary Cancer Syndrome; Tumor predisposition; Hereditary neoplastic syndrome. Identifiers: Orphanet 140162, MedGen C0027672, MeSH D009386, MONDO:0015356.
Ataxia-telangiectasia syndrome (AT). Also called: LOUIS-BAR SYNDROME; Cerebello-oculocutaneous telangiectasia; Immunodeficiency with ataxia telangiectasia; Ataxia-telangiectasia, complementation group D; AT, COMPLEMENTATION GROUP C; Ataxia-telangiectasia, complementation group E. Identifiers: Orphanet 100, MedGen C0004135, MONDO:0008840, OMIM 208900.

Allele frequency attached by ClinVar (database versions not stated): gnomAD exomes below 0.00001.
gnomAD v4.1: 1 of 1,610,740 alleles (0.000062%); highest among the groups gnomAD compares: South Asian, 0.0011%; no homozygotes.

Submissions (3):

Ambry Genetics
Classification: Uncertain significance for Hereditary cancer-predisposing syndrome. Last evaluated: 2026-04-29. Review status: criteria provided, single submitter. Criteria: Ambry Variant Classification Scheme 2023. Collection method: clinical testing. Allele origin: germline.
Comment: The p.G2718S variant (also known as c.8152G>A) is located in coding exon 55 of the ATM gene. The glycine at codon 2718 is replaced by serine, an amino acid with similar properties. This change occurs in the first base pair of coding exon 55. In an assay testing ATM function, this variant showed a functionally normal result (Lee KS et al. Cell, 2025 Sep;188:5081-5099.e27). This amino acid position is highly conserved in available vertebrate species. In addition, this alteration is predicted to be deleterious by in silico analysis. Based on the available evidence, the clinical significance of this variant remains unclear.

Blueprint Genetics
Classification: Uncertain significance. Last evaluated: 2024-04-18. Review status: criteria provided, single submitter. Criteria: ACMG Guidelines, 2015. Collection method: clinical testing. Allele origin: germline.

Labcorp Genetics (formerly Invitae), Labcorp
Classification: Uncertain significance for Ataxia-telangiectasia syndrome. Last evaluated: 2021-10-09. Review status: criteria provided, single submitter. Criteria: Invitae Variant Classification Sherloc (09022015). Collection method: clinical testing. Allele origin: germline.
Comment: In summary, the available evidence is currently insufficient to determine the role of this variant in disease. Therefore, it has been classified as a Variant of Uncertain Significance. Algorithms developed to predict the effect of missense changes on protein structure and function (SIFT, PolyPhen-2, Align-GVGD) all suggest that this variant is likely to be disruptive. This variant has not been reported in the literature in individuals affected with ATM-related conditions. This variant is not present in population databases (ExAC no frequency). This sequence change replaces glycine with serine at codon 2718 of the ATM protein (p.Gly2718Ser). The glycine residue is highly conserved and there is a small physicochemical difference between glycine and serine.

Literature cited by the submitters: PubMed 40580951 (cited by Ambry Genetics).